The following is an entry in ClinVar:

ClinVar aggregate classification (germline): Likely pathogenic. Review status: criteria provided, multiple submitters, no conflicts (2 of 4 stars). 4 submissions from 4 submitters: Likely pathogenic (4). Last evaluated 2026-02-03.

Conditions:
Autosomal recessive limb-girdle muscular dystrophy type 2J (LGMDR10). Also called: MUSCULAR DYSTROPHY, LIMB-GIRDLE, AUTOSOMAL RECESSIVE 10; Limb-girdle muscular dystrophy, type 2J. Identifiers: Orphanet 140922, MedGen C1837342, MONDO:0012127, OMIM 608807.
Dilated cardiomyopathy 1G (CMD1G). Identifiers: Orphanet 154, MedGen C1858763, MONDO:0011400, OMIM 604145.
Cardiovascular phenotype. Identifiers: MedGen CN230736.
Myopathy, myofibrillar, 9, with early respiratory failure (MFM9). Also called: EDSTROM MYOPATHY; MYOPATHY, PROXIMAL, WITH EARLY RESPIRATORY MUSCLE INVOLVEMENT; Hereditary myopathy with early respiratory failure; Myopathy, distal, with early respiratory failure, autosomal dominant. Identifiers: Orphanet 178464, Orphanet 34521, MedGen C1863599, MONDO:0011362, OMIM 603689.
Early-onset myopathy with fatal cardiomyopathy (CMYO5). Also called: CONGENITAL MYOPATHY 5 WITH CARDIOMYOPATHY; Salih Myopathy. Identifiers: Orphanet 289377, MedGen C2673677, MONDO:0012714, OMIM 611705. Disease mechanism: loss of function.
Hypertrophic cardiomyopathy 9. Also called: Familial hypertrophic cardiomyopathy 9. Identifiers: MedGen C1861065, MONDO:0013412, OMIM 613765.
Tibial muscular dystrophy (TMD). Also called: Udd Distal Myopathy – Tibial Muscular Dystrophy; UDD MYOPATHY; Tibial muscular dystrophy, tardive. Identifiers: Orphanet 609, MedGen C1838244, MONDO:0010870, OMIM 600334.
TTN-related disorder. Also called: TTN-related disorders; TTN-related condition; TTN-related disease.

Submissions (4):

PreventionGenetics, part of Exact Sciences
Classification: Likely pathogenic for TTN-related condition. Last evaluated: 2026-02-03. Review status: criteria provided, single submitter. Criteria: ACMG Guidelines, 2015. Collection method: clinical testing. Allele origin: germline.
Comment: The TTN c.53026_53027delGT variant is predicted to result in a frameshift and premature protein termination (p.Val17676Phefs*15). This variant is located in the A-band region of the protein in which truncating TTN variants have been found more frequently in dilated cardiomyopathy patients than in controls (Herman et al. 2012. PubMed ID: 22335739). RNAseq studies from heart tissue indicate this exon is commonly included in TTN mRNA transcripts (PSI of 98%-100%, Roberts et al. 2015. PubMed ID: 25589632). TTN loss-of-function variants occurring in constitutively expressed exons (PSI > 90%) are more likely to be disease causing for TTN cardiac-related disorders regardless of band location (Roberts et al. 2015. PubMed ID: 25589632; Schafer et al. 2017. PubMed ID: 27869827; Akhtar et al. 2020. PubMed ID: 32964742). Many cases of recessive TTN-related myopathies in which the individual is compound heterozygous for two loss-of-function variants in TTN have also been reported (Ge et al. 2019. PubMed ID: 31053406; Oates et al. 2018. PubMed ID: 29691892; Rees et al. 2021. PubMed ID: 33449170). In summary, this variant is categorized as likely pathogenic. Of note, this variant is considered likely pathogenic for increased risk of TTN-related cardiac disorders, and also for autosomal recessive TTN-related congenital titinopathies. ​

Fulgent Genetics
Classification: Likely pathogenic for Tibial muscular dystrophy; Myopathy, myofibrillar, 9, with early respiratory failure; Dilated cardiomyopathy 1G; Autosomal recessive limb-girdle muscular dystrophy type 2J; Early-onset myopathy with fatal cardiomyopathy; Hypertrophic cardiomyopathy 9. Last evaluated: 2024-05-28. Review status: criteria provided, single submitter. Criteria: ACMG Guidelines, 2015. Collection method: clinical testing. Allele origin: germline.

Labcorp Genetics (formerly Invitae), Labcorp
Classification: Likely pathogenic for Dilated cardiomyopathy 1G; Autosomal recessive limb-girdle muscular dystrophy type 2J. Last evaluated: 2023-04-07. Review status: criteria provided, single submitter. Criteria: Invitae Variant Classification Sherloc (09022015). Collection method: clinical testing. Allele origin: germline.
Comment: In summary, the currently available evidence indicates that the variant is pathogenic, but additional data are needed to prove that conclusively. Therefore, this variant has been classified as Likely Pathogenic. This variant is located in the A band of TTN (PMID: 25589632). Truncating variants in this region are significantly overrepresented in patients affected with dilated cardiomyopathy (PMID: 25589632). Truncating variants in this region have also been reported in individuals affected with autosomal recessive centronuclear myopathy (PMID: 23975875). ClinVar contains an entry for this variant (Variation ID: 1793398). This variant has not been reported in the literature in individuals affected with TTN-related conditions. This variant is not present in population databases (gnomAD no frequency). This sequence change creates a premature translational stop signal (p.Val17676Phefs*15) in the TTN gene. While this is not anticipated to result in nonsense mediated decay, it is expected to create a truncated TTN protein.

Ambry Genetics
Classification: Likely pathogenic for Cardiovascular phenotype. Last evaluated: 2021-12-09. Review status: criteria provided, single submitter. Criteria: Ambry Variant Classification Scheme 2023. Collection method: clinical testing. Allele origin: germline.
Comment: The c.25831_25832delGT variant, located in coding exon 104 of the TTN gene, results from a deletion of two nucleotides at nucleotide positions 25831 to 25832, causing a translational frameshift with a predicted alternate stop codon p.(Val8611Phefs*15). This exon is located in the A-band region of the N2-B isoform of the titin protein and is constitutively expressed in TTN transcripts (percent spliced in or PSI 100%). This variant is considered to be rare based on population cohorts in the Genome Aggregation Database (gnomAD). This alteration is expected to result in loss of function by premature protein truncation or nonsense-mediated mRNA decay. While truncating variants in TTN are present in 1-3% of the general population, truncating variants in the A-band are the most common cause of dilated cardiomyopathy (DCM) (Herman DS et al. N. Engl. J. Med., 2012 Feb;366:619-28; Roberts AM et al. Sci Transl Med, 2015 Jan;7:270ra6). TTN truncating variants encoded in constitutive exons (PSI >90%) have been found to be significantly associated with DCM regardless of their position in titin (Schafer S et al. Nat. Genet., 2017 01;49:46-53). As such, this alteration is classified as likely pathogenic.

Literature cited by the submitters: PubMed 25589632 (cited by Labcorp Genetics (formerly Invitae), Labcorp); PubMed 23975875 (cited by Labcorp Genetics (formerly Invitae), Labcorp).

NM_001267550.2(TTN):c.53026_53027del (p.Val17676fs)

Genes: TTN (titin; minus strand), TTN-AS1 (TTN antisense RNA 1; plus strand), LOC126806425 (BRD4-independent group 4 enhancer GRCh37_chr2:179471933-179473132; plus strand). Cytogenetic location: 2q31.2.
Variant type: Deletion.
Coding change: c.53026_53027del on transcript NM_001267550.2 (MANE Select); coding-DNA positions 53026 to 53027, 2 bases deleted (GT; older notation c.53026_53027delGT).
Protein change: p.Val17676fs; shifts the reading frame from valine 17676.
Molecular consequence: frameshift variant.
Genome position (GRCh38, 1-based): chr2:178,607,661-178,607,662, AC deleted on the plus strand (GT on the coding strand, the reverse complement: TTN is on the minus strand); deleting any 2 consecutive bases within chr2:178,607,661-178,607,663 gives the same sequence; the c. name uses the placement nearest the transcript's 3' end. VCF-style (leftmost placement, unchanged base first): chr2-178607660-AAC-A. GRCh37 (hg19) VCF-style: chr2-179472387-AAC-A.
Other names: c.53026_53027delGT (NM_001267550.2); c.48103_48104del, p.Val16035fs (NM_001256850.1); c.25831_25832del, p.Val8611fs (NM_003319.4); c.45322_45323del, p.Val15108fs (NM_133378.4); c.26206_26207del, p.Val8736fs (NM_133432.3); c.26407_26408del, p.Val8803fs (NM_133437.4); c.25831_25832delGT (NM_003319.4); short protein forms V8736fs, V16035fs, V8803fs, V8611fs, V15108fs, V17676fs.
Identifiers: ClinVar variation 1793398 (VCV001793398.7), dbSNP rs2470299695, ClinGen allele CA2580064943.
Genomic context (GRCh38, chr2:178,607,660, plus strand): 5'-CACCACAGCTGGAATTCTAAGAGTCTTCCCAGCCATTATTTGTATTCCACCCTTGACAGA[AAC>A]ATCCAGTTCCACAGCTGGAGGCTCTGTTGAAAGAGAACAGTCATGCATTAGCCCATGAAA-3'